The following is an entry in ClinVar:

ClinVar aggregate classification (germline): Uncertain significance. Review status: criteria provided, multiple submitters, no conflicts (2 of 4 stars). 2 submissions from 2 submitters: Uncertain significance (2). Last evaluated 2025-10-29.

Conditions:
Inborn genetic diseases. Identifiers: MedGen C0950123, MeSH D030342.

gnomAD v4.1: 15 of 1,613,738 alleles (0.00093%); highest among the groups gnomAD compares: Admixed American, 0.0033%; no homozygotes.

Submissions (2):

Ambry Genetics
Classification: Uncertain significance for Inborn genetic diseases. Last evaluated: 2025-10-29. Review status: criteria provided, single submitter. Criteria: Ambry Variant Classification Scheme 2023. Collection method: clinical testing. Allele origin: germline.

GeneDx
Classification: Uncertain significance. Last evaluated: 2024-10-15. Review status: criteria provided, single submitter. Criteria: GeneDx Variant Classification Process June 2021. Collection method: clinical testing. Allele origin: germline. Affected: yes.
Comment: Not observed at significant frequency in large population cohorts (gnomAD); In silico analysis indicates that this missense variant does not alter protein structure/function; Has not been previously published as pathogenic or benign to our knowledge

NM_012082.4(ZFPM2):c.3116G>A (p.Arg1039Gln)

Genes: ZFPM2 (zinc finger protein, FOG family member 2; plus strand), ZFPM2-AS1 (ZFPM2 antisense RNA 1; minus strand), LOC126860469 (BRD4-independent group 4 enhancer GRCh37_chr8:106814445-106815644; plus strand). Cytogenetic location: 8q23.1.
Variant type: single nucleotide variant.
Coding change: c.3116G>A on transcript NM_012082.4 (MANE Select); coding-DNA position 3116, G replaced by A.
Protein change: p.Arg1039Gln; replaces arginine 1039 with glutamine.
Molecular consequence: missense variant.
Genome position (GRCh38, 1-based): chr8:105,803,198, G>A. VCF-style: chr8-105803198-G-A. GRCh37 (hg19) VCF-style: chr8-106815426-G-A.
Other names: c.2957G>A, p.Arg986Gln (NM_001362836.2); c.2720G>A, p.Arg907Gln (NM_001362837.2); short protein forms R907Q, R1039Q, R986Q.
Identifiers: ClinVar variation 3781110 (VCV003781110.2).
Genomic context (GRCh38, chr8:105,803,198, plus strand): 5'-CTTCCTCAAATGGGTGTGCTGCGCTGAAGAAAGATTCTCTGCCATTGTTGCCCAAAAATC[G>A]AGGAATGGTAATAGTGAATGGTGGACTGAAACAAGATGAGAGACCTGCTGCCAACCCACA-3'
Protein context (NP_036214.2, residues 1029-1049): KDSLPLLPKN[Arg1039Gln]GMVIVNGGLK